The following is an entry in ClinVar:

ClinVar aggregate classification (germline): Conflicting classifications of pathogenicity. Review status: criteria provided, conflicting classifications (1 of 4 stars). 2 submissions from 2 submitters: Likely pathogenic (1); Uncertain significance (1). Last evaluated 2025-03-04.

Conditions:
Hereditary cancer-predisposing syndrome. Also called: Tumor predisposition; Hereditary Cancer Syndrome; Hereditary neoplastic syndrome; Neoplastic Syndromes, Hereditary. Identifiers: Orphanet 140162, MedGen C0027672, MeSH D009386, MONDO:0015356.

Allele frequency attached by ClinVar (database versions not stated): gnomAD exomes below 0.00001.
gnomAD v4.1: 1 of 1,611,580 alleles (0.000062%); highest among the groups gnomAD compares: Non-Finnish European, 0.000085%; no homozygotes.

Submissions (3):

Center for Genomic Medicine, Rigshospitalet, Copenhagen University Hospital
Classification: Uncertain significance. Last evaluated: 2025-03-04. Review status: criteria provided, single submitter. Criteria: ACMG Guidelines, 2015. Collection method: clinical testing. Allele origin: germline.

Ambry Genetics
Classification: Likely pathogenic for Hereditary cancer-predisposing syndrome. Last evaluated: 2024-04-24. Review status: criteria provided, single submitter. Criteria: Ambry Variant Classification Scheme 2023. Collection method: clinical testing. Allele origin: germline.
Comment: The p.V1719E variant (also known as c.5156T>A), located in coding exon 17 of the BRCA1 gene, results from a T to A substitution at nucleotide position 5156. The valine at codon 1719 is replaced by glutamic acid, an amino acid with dissimilar properties. One functional study found that this nucleotide substitution is non-functional in a high throughput genome editing haploid cell survival assay (Findlay GM et al. Nature, 2018 Oct;562:217-222). This amino acid position is highly conserved in available vertebrate species. In addition, this alteration is predicted to be deleterious by in silico analysis. Based on the majority of available evidence to date, this variant is likely to be pathogenic.

Brotman Baty Institute, University of Washington
No classification provided (evidence only). Condition: Breast-ovarian cancer, familial 1. Review status: no classification provided. Collection method: in vitro. Allele origin: not applicable. Functional consequence: functionally_abnormal. Not counted in ClinVar's aggregate classification.
ClinVar note: "not provided" was previously submitted as the classification for the variant. However, the classification appeared to be based only on an observation of functional data so it was converted to no classification on 2025-07-30.

Literature cited by the submitters: PubMed 30209399 (cited by Center for Genomic Medicine, Rigshospitalet, Copenhagen University Hospital and Ambry Genetics); PubMed 30765603 (cited by Center for Genomic Medicine, Rigshospitalet, Copenhagen University Hospital).

NM_007294.4(BRCA1):c.5156T>A (p.Val1719Glu)

Gene: BRCA1 (BRCA1 DNA repair associated; minus strand). Cytogenetic location: 17q21.31.
Variant type: single nucleotide variant.
Coding change: c.5156T>A on transcript NM_007294.4 (MANE Select); coding-DNA position 5156, T replaced by A.
Protein change: p.Val1719Glu; replaces valine 1719 with glutamic acid.
Molecular consequence: missense variant. On other transcripts: non-coding transcript variant (1).
Genome position (GRCh38, 1-based): chr17:43,063,370, A>T on the plus strand (T>A on the coding strand, the complement: BRCA1 is on the minus strand). VCF-style: chr17-43063370-A-T. GRCh37 (hg19) VCF-style: chr17-41215387-A-T.
Other names: c.4823T>A, p.Val1608Glu (NM_001407948.1, NM_001407949.1, NM_001407946.1 and 1 more transcripts); c.4820T>A, p.Val1607Glu (NM_001407950.1, NM_001407951.1, NM_001407952.1 and 3 more transcripts); c.4649T>A, p.Val1550Glu (NM_001407965.1); c.4268T>A, p.Val1423Glu (NM_001407966.1); c.4265T>A, p.Val1422Glu (NM_001407967.1); c.2552T>A, p.Val851Glu (NM_001407968.1); c.2549T>A, p.Val850Glu (NM_001407969.1); c.1913T>A, p.Val638Glu (NM_001407970.1, NM_001407971.1); and 72 more; short protein forms V615E, V1672E, V1719E, V1740E, V1422E, V1550E, V1592E, V1606E.
Identifiers: ClinVar variation 867427 (VCV000867427.6), dbSNP rs1247437511, ClinGen allele CA10591231.